The following is an entry in ClinVar:

NM_001369268.1(ACAN):c.7193_7202del (p.Thr2398fs)

Gene: ACAN (aggrecan; plus strand). Cytogenetic location: 15q26.1.
Variant type: Deletion.
Coding change: c.7193_7202del on transcript NM_001369268.1 (MANE Select); coding-DNA positions 7193 to 7202, 10 bases deleted (CCCCCGAGGA; older notation c.7193_7202delCCCCCGAGGA).
Protein change: p.Thr2398fs; shifts the reading frame from threonine 2398.
Molecular consequence: frameshift variant.
Genome position (GRCh38, 1-based): chr15:88,871,514-88,871,523, CCCCCGAGGA deleted; deleting any 10 consecutive bases within chr15:88,871,513-88,871,523 gives the same sequence; the c. name uses the placement nearest the transcript's 3' end. VCF-style (leftmost placement, unchanged base first): chr15-88871512-CACCCCCGAGG-C. GRCh37 (hg19) VCF-style: chr15-89414743-CACCCCCGAGG-C.
Other names: c.6965_6974del, p.Thr2322fs (NM_001135.4, NM_001411096.1); c.7079_7088del, p.Thr2360fs (NM_001411097.1, NM_013227.4); short protein forms T2360fs, T2322fs, T2398fs.
Identifiers: ClinVar variation 3642973 (VCV003642973.2).

ClinVar aggregate classification (germline): Pathogenic (1 of 4 stars; one submission).

Submission:

Labcorp Genetics (formerly Invitae), Labcorp
Classification: Pathogenic. Last evaluated: 2024-03-02. Review status: criteria provided, single submitter. Criteria: Invitae Variant Classification Sherloc (09022015). Collection method: clinical testing. Allele origin: germline.
Comment: This sequence change creates a premature translational stop signal (p.Thr2360Serfs*17) in the ACAN gene. It is expected to result in an absent or disrupted protein product. Loss-of-function variants in ACAN are known to be pathogenic (PMID: 16080123, 24762113). This variant is not present in population databases (gnomAD no frequency). This variant has not been reported in the literature in individuals affected with ACAN-related conditions. For these reasons, this variant has been classified as Pathogenic.

Literature cited by the submitters: PubMed 16080123; PubMed 24762113.